The following is an entry in ClinVar:

ClinVar aggregate classification (germline): Uncertain significance (0 of 4 stars; one submission).

Conditions:
SDCCAG8-related disorder. Also called: SDCCAG8-Related Disorders; SDCCAG8-related condition.

Submission:

PreventionGenetics, part of Exact Sciences
Classification: Uncertain significance for SDCCAG8-related condition. Last evaluated: 2024-05-14. Review status: no assertion criteria provided. Collection method: clinical testing. Allele origin: germline.
Comment: The SDCCAG8 c.1025A>C variant is predicted to result in the amino acid substitution p.Gln342Pro. To our knowledge, this variant has not been reported in the literature or in a large population database, indicating this variant is rare. At this time, the clinical significance of this variant is uncertain due to the absence of conclusive functional and genetic evidence.

NM_006642.5(SDCCAG8):c.1025A>C (p.Gln342Pro)

Gene: SDCCAG8 (SHH signaling and ciliogenesis regulator SDCCAG8; plus strand). Cytogenetic location: 1q43.
Variant type: single nucleotide variant.
Coding change: c.1025A>C on transcript NM_006642.5 (MANE Select); coding-DNA position 1025, A replaced by C.
Protein change: p.Gln342Pro; replaces glutamine 342 with proline.
Molecular consequence: missense variant.
Genome position (GRCh38, 1-based): chr1:243,316,850, A>C. VCF-style: chr1-243316850-A-C. GRCh37 (hg19) VCF-style: chr1-243480152-A-C.
Other names: c.122A>C, p.Gln41Pro (NM_001350246.2, NM_001350247.2, NM_001350251.2); c.1121A>C, p.Gln374Pro (NM_001350248.2); c.731A>C, p.Gln244Pro (NM_001350249.2); short protein forms Q244P, Q342P, Q374P, Q41P.
Identifiers: ClinVar variation 3344674 (VCV003344674.1).